The following is an entry in ClinVar:

NM_004655.4(AXIN2):c.1919C>A (p.Thr640Lys)

Gene: AXIN2 (axin 2; minus strand). Cytogenetic location: 17q24.1.
Variant type: single nucleotide variant.
Coding change: c.1919C>A on transcript NM_004655.4 (MANE Select); coding-DNA position 1919, C replaced by A.
Protein change: p.Thr640Lys; replaces threonine 640 with lysine.
Molecular consequence: missense variant.
Genome position (GRCh38, 1-based): chr17:65,536,542, G>T on the plus strand (C>A on the coding strand, the complement: AXIN2 is on the minus strand). VCF-style: chr17-65536542-G-T. GRCh37 (hg19) VCF-style: chr17-63532660-G-T.
Other names: c.1724C>A, p.Thr575Lys (NM_001363813.1); short protein forms T640K, T575K.
Identifiers: ClinVar variation 2127879 (VCV002127879.4), dbSNP rs1332790715, ClinGen allele CA400676334.

ClinVar aggregate classification (germline): Uncertain significance (1 of 4 stars; one submission).

Conditions:
Oligodontia-cancer predisposition syndrome. Also called: TOOTH AGENESIS-COLORECTAL CANCER SYNDROME. Identifiers: Orphanet 300576, MedGen C1837750, MONDO:0012075, OMIM 608615. Disease mechanism: loss of function.

Submission:

Labcorp Genetics (formerly Invitae), Labcorp
Classification: Uncertain significance for Oligodontia-cancer predisposition syndrome. Last evaluated: 2022-04-19. Review status: criteria provided, single submitter. Criteria: Invitae Variant Classification Sherloc (09022015). Collection method: clinical testing. Allele origin: germline.
Comment: Algorithms developed to predict the effect of missense changes on protein structure and function (SIFT, PolyPhen-2, Align-GVGD) all suggest that this variant is likely to be tolerated. This variant has not been reported in the literature in individuals affected with AXIN2-related conditions. This variant is not present in population databases (gnomAD no frequency). This sequence change replaces threonine, which is neutral and polar, with lysine, which is basic and polar, at codon 640 of the AXIN2 protein (p.Thr640Lys). In summary, the available evidence is currently insufficient to determine the role of this variant in disease. Therefore, it has been classified as a Variant of Uncertain Significance.